The following is an entry in ClinVar:

NM_001130144.3(LTBP3):c.1291A>G (p.Ser431Gly)

Gene: LTBP3 (latent transforming growth factor beta binding protein 3; minus strand). Cytogenetic location: 11q13.1.
Variant type: single nucleotide variant.
Coding change: c.1291A>G on transcript NM_001130144.3 (MANE Select); coding-DNA position 1291, A replaced by G.
Protein change: p.Ser431Gly; replaces serine 431 with glycine.
Molecular consequence: missense variant.
Genome position (GRCh38, 1-based): chr11:65,552,302, T>C on the plus strand (A>G on the coding strand, the complement: LTBP3 is on the minus strand). VCF-style: chr11-65552302-T-C. GRCh37 (hg19) VCF-style: chr11-65319773-T-C.
Other names: c.940A>G, p.Ser314Gly (NM_001164266.1); c.1291A>G, p.Ser431Gly (NM_021070.4); short protein forms S431G, S314G.
Identifiers: ClinVar variation 4730711 (VCV004730711.1).

ClinVar aggregate classification (germline): Uncertain significance (1 of 4 stars; one submission).

Conditions:
Brachyolmia-amelogenesis imperfecta syndrome. Also called: PLATYSPONDYLY WITH AMELOGENESIS IMPERFECTA; Tooth agenesis, selective, 6; Dental anomalies and short stature. Identifiers: Orphanet 2899, MedGen C1832594, MONDO:0011018, OMIM 601216. Disease mechanism: loss of function.

Submission:

Labcorp Genetics (formerly Invitae), Labcorp
Classification: Uncertain significance for Brachyolmia-amelogenesis imperfecta syndrome. Last evaluated: 2025-11-08. Review status: criteria provided, single submitter. Criteria: Invitae Variant Classification Sherloc (09022015). Collection method: clinical testing. Allele origin: germline.
Comment: This sequence change replaces serine, which is neutral and polar, with glycine, which is neutral and non-polar, at codon 431 of the LTBP3 protein (p.Ser431Gly). This variant is not present in population databases (gnomAD no frequency). This variant has not been reported in the literature in individuals affected with LTBP3-related conditions. An algorithm developed to predict the effect of missense changes on protein structure and function (PolyPhen-2) suggests that this variant is likely to be disruptive. In summary, the available evidence is currently insufficient to determine the role of this variant in disease. Therefore, it has been classified as a Variant of Uncertain Significance.